The following is an entry in ClinVar:

ClinVar aggregate classification (germline): Likely benign (1 of 4 stars; one submission).

gnomAD v4.1: 2 of 1,613,670 alleles (0.00012%); highest among the groups gnomAD compares: East Asian, 0.0022%; no homozygotes.

Submission:

Mayo Clinic Laboratories, Mayo Clinic
Classification: Likely benign. Last evaluated: 2025-05-19. Review status: criteria provided, single submitter. Criteria: ACMG Guidelines, 2015. Collection method: clinical testing. Allele origin: germline. Observed: 1 variant allele.
Comment: BP4, BP7, PM2_supporting

NM_003664.5(AP3B1):c.1629G>A (p.Leu543=)

Gene: AP3B1 (adaptor related protein complex 3 subunit beta 1; minus strand). Cytogenetic location: 5q14.1.
Variant type: single nucleotide variant.
Coding change: c.1629G>A on transcript NM_003664.5 (MANE Select); coding-DNA position 1629, G replaced by A.
Protein change: p.Leu543=; no amino-acid change (leucine 543 retained).
Molecular consequence: synonymous variant.
Genome position (GRCh38, 1-based): chr5:78,141,164, C>T on the plus strand (G>A on the coding strand, the complement: AP3B1 is on the minus strand). VCF-style: chr5-78141164-C-T. GRCh37 (hg19) VCF-style: chr5-77436988-C-T.
Other names: p.Leu543=; c.1482G>A, p.Leu494= (NM_001271769.2); c.1629G>A, p.Leu543= (NM_001410752.1).
Identifiers: ClinVar variation 4684847 (VCV004684847.1).